The following is an entry in ClinVar:

NM_032119.4(ADGRV1):c.3224T>A (p.Phe1075Tyr)

Gene: ADGRV1 (adhesion G protein-coupled receptor V1; plus strand). Cytogenetic location: 5q14.3.
Variant type: single nucleotide variant.
Coding change: c.3224T>A on transcript NM_032119.4 (MANE Select); coding-DNA position 3224, T replaced by A.
Protein change: p.Phe1075Tyr; replaces phenylalanine 1075 with tyrosine.
Molecular consequence: missense variant. On other transcripts: non-coding transcript variant (1).
Genome position (GRCh38, 1-based): chr5:90,647,699, T>A. VCF-style: chr5-90647699-T-A. GRCh37 (hg19) VCF-style: chr5-89943516-T-A.
Other names: short protein forms F1075Y.
Identifiers: ClinVar variation 5001466 (VCV005001466.1).

ClinVar aggregate classification (germline): Uncertain significance (1 of 4 stars; one submission).

Conditions:
ADGRV1-related disorder. Also called: ADGRV1-related disorders; ADGRV1-related condition.

gnomAD v4.1: 1 of 1,613,758 alleles (0.000062%); highest among the groups gnomAD compares: Non-Finnish European, 0.000085%; no homozygotes.

Submission:

PreventionGenetics, part of Exact Sciences
Classification: Uncertain significance for ADGRV1-related condition. Last evaluated: 2026-02-03. Review status: criteria provided, single submitter. Criteria: ACMG Guidelines, 2015. Collection method: clinical testing. Allele origin: germline.
Comment: The ADGRV1 c.3224T>A variant is predicted to result in the amino acid substitution p.Phe1075Tyr. To our knowledge, this variant has not been reported in the literature. This variant is absent in a large population database (gnomAD), indicating this variant is rare. At this time, the clinical significance of this variant is uncertain due to the absence of conclusive functional and genetic evidence.